The following is an entry in ClinVar:

NM_001379500.1(COL18A1):c.3544A>G (p.Ile1182Val)

Genes: COL18A1 (collagen type XVIII alpha 1 chain; plus strand), SLC19A1 (solute carrier family 19 member 1; minus strand). Cytogenetic location: 21q22.3.
Variant type: single nucleotide variant.
Coding change: c.3544A>G on transcript NM_001379500.1 (MANE Select); coding-DNA position 3544, A replaced by G.
Protein change: p.Ile1182Val; replaces isoleucine 1182 with valine.
Molecular consequence: missense variant.
Genome position (GRCh38, 1-based): chr21:45,510,112, A>G. VCF-style: chr21-45510112-A-G. GRCh37 (hg19) VCF-style: chr21-46930026-A-G.
Other names: c.4075A>G, p.Ile1359Val (NM_030582.4); c.4780A>G, p.Ile1594Val (NM_130444.3); short protein forms I1359V, I1594V, I1182V.
Identifiers: ClinVar variation 1917276 (VCV001917276.4), dbSNP rs2037489821, ClinGen allele CA410501536.

ClinVar aggregate classification (germline): Uncertain significance (1 of 4 stars; one submission).

Allele frequency attached by ClinVar (database versions not stated): gnomAD exomes below 0.00001.
gnomAD v4.1: 2 of 1,595,918 alleles (0.00013%); highest among the groups gnomAD compares: Non-Finnish European, 0.00017%; no homozygotes.

Submission:

Labcorp Genetics (formerly Invitae), Labcorp
Classification: Uncertain significance. Last evaluated: 2022-06-23. Review status: criteria provided, single submitter. Criteria: Invitae Variant Classification Sherloc (09022015). Collection method: clinical testing. Allele origin: germline.
Comment: Experimental studies and prediction algorithms are not available or were not evaluated, and the functional significance of this variant is currently unknown. This sequence change replaces isoleucine, which is neutral and non-polar, with valine, which is neutral and non-polar, at codon 1179 of the COL18A1 protein (p.Ile1179Val). This variant is not present in population databases (gnomAD no frequency). This variant has not been reported in the literature in individuals affected with COL18A1-related conditions. In summary, the available evidence is currently insufficient to determine the role of this variant in disease. Therefore, it has been classified as a Variant of Uncertain Significance.